The following is an entry in ClinVar:

ClinVar aggregate classification (germline): Likely pathogenic (1 of 4 stars; one submission).

Submission:

GeneDx
Classification: Likely pathogenic. Last evaluated: 2024-12-05. Review status: criteria provided, single submitter. Criteria: GeneDx Variant Classification Process June 2021. Collection method: clinical testing. Allele origin: germline. Affected: yes.
Comment: Not observed at significant frequency in large population cohorts (gnomAD); In silico analysis supports a deleterious effect on splicing; Has not been previously published as pathogenic or benign to our knowledge

NM_005591.4(MRE11):c.845+6T>G

Gene: MRE11 (MRE11 homolog, double strand break repair nuclease; minus strand). Cytogenetic location: 11q21.
Variant type: single nucleotide variant.
Coding change: c.845+6T>G on transcript NM_005591.4 (MANE Select); 6 bases into the intron after coding-DNA position 845, T replaced by G.
Molecular consequence: intron variant.
Genome position (GRCh38, 1-based): chr11:94,471,568, A>C on the plus strand (T>G on the coding strand, the complement: MRE11 is on the minus strand). VCF-style: chr11-94471568-A-C. GRCh37 (hg19) VCF-style: chr11-94204734-A-C.
Other names: c.845+6T>G (NM_001330347.2, NM_005590.4).
Identifiers: ClinVar variation 1312331 (VCV001312331.3), dbSNP rs2135045937, ClinGen allele CA2573053579.
Genomic context (GRCh38, chr11:94,471,568, plus strand): 5'-CTATGAGATGATTAGTTATTATAGCAAAGATTTCTTAAAAATTGGCTCAAAATATATAAC[A>C]CTCACTTCTTTACAGCTTCTCCTGGGGAAAGAGAAGTAACCACTGAGCTTCCAGGTTGTG-3'